The following is an entry in ClinVar:

ClinVar aggregate classification (germline): Uncertain significance (1 of 4 stars; one submission).

Allele frequency attached by ClinVar (database versions not stated): TOPMed below 0.00001; gnomAD 0.00001; ExAC 0.00002; gnomAD exomes 0.00002.
gnomAD v4.1: 35 of 1,614,058 alleles (0.0022%); highest among the groups gnomAD compares: Non-Finnish European, 0.0027%; no homozygotes.

Submission:

Labcorp Genetics (formerly Invitae), Labcorp
Classification: Uncertain significance. Last evaluated: 2025-10-08. Review status: criteria provided, single submitter. Criteria: Invitae Variant Classification Sherloc (09022015). Collection method: clinical testing. Allele origin: germline.
Comment: This sequence change replaces alanine, which is neutral and non-polar, with valine, which is neutral and non-polar, at codon 1264 of the CAMTA1 protein (p.Ala1264Val). This variant is present in population databases (rs775563405, gnomAD 0.006%). This variant has not been reported in the literature in individuals affected with CAMTA1-related conditions. ClinVar contains an entry for this variant (Variation ID: 1928218). Invitae Evidence Modeling of protein sequence and biophysical properties (such as structural, functional, and spatial information, amino acid conservation, physicochemical variation, residue mobility, and thermodynamic stability) indicates that this missense variant is not expected to disrupt CAMTA1 protein function with a negative predictive value of 80%. In summary, the available evidence is currently insufficient to determine the role of this variant in disease. Therefore, it has been classified as a Variant of Uncertain Significance.

NM_015215.4(CAMTA1):c.3791C>T (p.Ala1264Val)

Genes: CAMTA1 (calmodulin binding transcription activator 1; plus strand), LOC126805603 (CDK7 strongly-dependent group 2 enhancer GRCh37_chr1:7798026-7799225; plus strand). Cytogenetic location: 1p36.23.
Variant type: single nucleotide variant.
Coding change: c.3791C>T on transcript NM_015215.4 (MANE Select); coding-DNA position 3791, C replaced by T.
Protein change: p.Ala1264Val; replaces alanine 1264 with valine.
Molecular consequence: missense variant. On other transcripts: intron variant (11).
Genome position (GRCh38, 1-based): chr1:7,738,091, C>T. VCF-style: chr1-7738091-C-T. GRCh37 (hg19) VCF-style: chr1-7798151-C-T.
Other names: c.3701C>T, p.Ala1234Val (NM_001349608.2); c.920C>T, p.Ala307Val (NM_001349613.1); c.863C>T, p.Ala288Val (NM_001349614.1, NM_001349615.2, NM_001349616.2 and 2 more transcripts); c.3659-207C>T (NM_001349609.2, NM_001349610.2); c.3569-207C>T (NM_001349612.2); c.731-207C>T (NM_001349620.1, NM_001349621.1, NM_001349625.2 and 5 more transcripts); short protein forms A1264V, A1234V, A288V, A307V.
Identifiers: ClinVar variation 1928218 (VCV001928218.5), dbSNP rs775563405, ClinGen allele CA567027.